The following is an entry in ClinVar:

ClinVar aggregate classification (germline): Uncertain significance. Review status: criteria provided, multiple submitters, no conflicts (2 of 4 stars). 2 submissions from 2 submitters: Uncertain significance (2). Last evaluated 2022-01-28.

Conditions:
Fanconi anemia (FA). Also called: Fanconi's anemia. Identifiers: Orphanet 84, MedGen C0015625, MeSH D005199, MONDO:0019391.
Fanconi anemia complementation group I (FANCI). Also called: FANCI-Related Fanconi Anemia. Identifiers: Orphanet 84, MedGen C1836861, MONDO:0012186, OMIM 609053.

Submissions (2):

Labcorp Genetics (formerly Invitae), Labcorp
Classification: Uncertain significance for Fanconi anemia. Last evaluated: 2022-01-28. Review status: criteria provided, single submitter. Criteria: Invitae Variant Classification Sherloc (09022015). Collection method: clinical testing. Allele origin: germline.
Comment: This variant, c.1031_1033del, results in the deletion of 1 amino acid(s) of the FANCI protein (p.Leu344del), but otherwise preserves the integrity of the reading frame. This variant is present in population databases (rs770583031, gnomAD 0.004%). This variant has not been reported in the literature in individuals affected with FANCI-related conditions. ClinVar contains an entry for this variant (Variation ID: 639011). Experimental studies and prediction algorithms are not available or were not evaluated, and the functional significance of this variant is currently unknown. In summary, the available evidence is currently insufficient to determine the role of this variant in disease. Therefore, it has been classified as a Variant of Uncertain Significance.

Fulgent Genetics
Classification: Uncertain significance for Fanconi anemia complementation group I. Last evaluated: 2021-08-11. Review status: criteria provided, single submitter. Criteria: ACMG Guidelines, 2015. Collection method: clinical testing. Allele origin: unknown.

NM_001113378.2(FANCI):c.1028TCC[1] (p.Leu344del)

Gene: FANCI (FA complementation group I; plus strand). Cytogenetic location: 15q26.1.
Variant type: Microsatellite.
Coding change: c.1028TCC[1] on transcript NM_001113378.2 (MANE Select); one copy of the 3-base unit TCC starting at c.1028; the reference has two copies in a row; one copy, 3 bases deleted; also written c.1031_1033del.
Protein change: p.Leu344del; deletes leucine 344.
Molecular consequence: inframe deletion.
Genome position (GRCh38, 1-based): chr15:89,274,223-89,274,225, TCC deleted; deleting any 3 consecutive bases within chr15:89,274,219-89,274,225 gives the same sequence; the position shown is the placement nearest the transcript's 3' end. VCF-style (leftmost placement, unchanged base first): chr15-89274218-ACTC-A. GRCh37 (hg19) VCF-style: chr15-89817449-ACTC-A.
Other names: c.1031_1033delTCC (NM_001113378.1); c.749TCC[1], p.Leu251del (NM_001376910.1); c.1028TCC[1], p.Leu344del (NM_001376911.1, NM_018193.3); c.1031_1033del (NM_001113378.2); short protein forms L344del, L251del.
Identifiers: ClinVar variation 639011 (VCV000639011.9), dbSNP rs770583031, ClinGen allele CA7722905.
Genomic context (GRCh38, chr15:89,274,218, plus strand): 5'-TATACTCAAGGTGCTTGATCTTTTAAAGACTTCGGTTGTAAAGAGCTTTAAGGATCTTCA[ACTC>A]CTCCAAGGCTCAAAATTTCTTCAGAATCTAGTTCCTCATAGATCTTATGTTTCAACCATG-3'